The following is an entry in ClinVar:

NM_006031.6(PCNT):c.9539T>G (p.Phe3180Cys)

Gene: PCNT (pericentrin; plus strand). Cytogenetic location: 21q22.3.
Variant type: single nucleotide variant.
Coding change: c.9539T>G on transcript NM_006031.6 (MANE Select); coding-DNA position 9539, T replaced by G.
Protein change: p.Phe3180Cys; replaces phenylalanine 3180 with cysteine.
Molecular consequence: missense variant.
Genome position (GRCh38, 1-based): chr21:46,441,000, T>G. VCF-style: chr21-46441000-T-G. GRCh37 (hg19) VCF-style: chr21-47860913-T-G.
Other names: c.8948T>G, p.Phe2983Cys (NM_001315529.2); c.9539T>G (NM_006031.5); short protein forms F3180C, F2983C.
Identifiers: ClinVar variation 1515826 (VCV001515826.5), dbSNP rs1343505317, ClinGen allele CA410578085.

ClinVar aggregate classification (germline): Uncertain significance. Review status: criteria provided, single submitter (1 of 4 stars). 2 submissions from 2 submitters: Uncertain significance (1). 1 of the submissions does not count toward it. Last evaluated 2022-03-08.

Conditions:
PCNT-related disorder. Also called: PCNT-related condition.

Allele frequency attached by ClinVar (database versions not stated): gnomAD exomes below 0.00001 and 0.00001; TOPMed 0.00001.
gnomAD v4.1: 2 of 1,614,138 alleles (0.00012%); highest among the groups gnomAD compares: Admixed American, 0.0033%; no homozygotes.

Submissions (2):

Labcorp Genetics (formerly Invitae), Labcorp
Classification: Uncertain significance. Last evaluated: 2022-03-08. Review status: criteria provided, single submitter. Criteria: Invitae Variant Classification Sherloc (09022015). Collection method: clinical testing. Allele origin: germline.
Comment: This sequence change replaces phenylalanine, which is neutral and non-polar, with cysteine, which is neutral and slightly polar, at codon 3180 of the PCNT protein (p.Phe3180Cys). This variant is present in population databases (no rsID available, gnomAD 0.006%). This variant has not been reported in the literature in individuals affected with PCNT-related conditions. Algorithms developed to predict the effect of missense changes on protein structure and function are either unavailable or do not agree on the potential impact of this missense change (SIFT: "Deleterious"; PolyPhen-2: "Probably Damaging"; Align-GVGD: "Class C0"). Algorithms developed to predict the effect of sequence changes on RNA splicing suggest that this variant may create or strengthen a splice site. In summary, the available evidence is currently insufficient to determine the role of this variant in disease. Therefore, it has been classified as a Variant of Uncertain Significance.

PreventionGenetics, part of Exact Sciences
Classification: Uncertain significance for PCNT-related condition. Last evaluated: 2023-12-05. Review status: no assertion criteria provided. Collection method: clinical testing. Allele origin: germline. Not counted in ClinVar's aggregate classification.
Comment: The PCNT c.9539T>G variant is predicted to result in the amino acid substitution p.Phe3180Cys. To our knowledge, this variant has not been reported in the literature. This variant is reported in 0.0058% of alleles in individuals of Latino descent in gnomAD. At this time, the clinical significance of this variant is uncertain due to the absence of conclusive functional and genetic evidence.